The following is an entry in ClinVar:

ClinVar aggregate classification (germline): Uncertain significance (1 of 4 stars; one submission).

Conditions:
Ataxia-telangiectasia syndrome (AT). Also called: Ataxia-telangiectasia, complementation group E; AT, COMPLEMENTATION GROUP C; ATAXIA-TELANGIECTASIA, COMPLEMENTATION GROUP A; ATAXIA-TELANGIECTASIA, FRESNO VARIANT; Ataxia-telangiectasia; LOUIS-BAR SYNDROME. Identifiers: Orphanet 100, MedGen C0004135, MONDO:0008840, OMIM 208900.

Submission:

Labcorp Genetics (formerly Invitae), Labcorp
Classification: Uncertain significance for Ataxia-telangiectasia syndrome. Last evaluated: 2024-03-24. Review status: criteria provided, single submitter. Criteria: Invitae Variant Classification Sherloc (09022015). Collection method: clinical testing. Allele origin: germline.
Comment: This sequence change replaces histidine, which is basic and polar, with glutamine, which is neutral and polar, at codon 1027 of the ATM protein (p.His1027Gln). This variant is not present in population databases (gnomAD no frequency). This variant has not been reported in the literature in individuals affected with ATM-related conditions. ClinVar contains an entry for this variant (Variation ID: 220572). Algorithms developed to predict the effect of missense changes on protein structure and function output the following: SIFT: "Not Available"; PolyPhen-2: "Benign"; Align-GVGD: "Not Available". The glutamine amino acid residue is found in multiple mammalian species, which suggests that this missense change does not adversely affect protein function. In summary, the available evidence is currently insufficient to determine the role of this variant in disease. Therefore, it has been classified as a Variant of Uncertain Significance.

NM_000051.4(ATM):c.3081T>A (p.His1027Gln)

Gene: ATM (ATM serine/threonine kinase; plus strand). Cytogenetic location: 11q22.3.
Variant type: single nucleotide variant.
Coding change: c.3081T>A on transcript NM_000051.4 (MANE Select); coding-DNA position 3081, T replaced by A.
Protein change: p.His1027Gln; replaces histidine 1027 with glutamine.
Molecular consequence: missense variant.
Genome position (GRCh38, 1-based): chr11:108,272,535, T>A. VCF-style: chr11-108272535-T-A. GRCh37 (hg19) VCF-style: chr11-108143262-T-A.
Other names: c.3081T>A, p.His1027Gln (NM_001351834.2); short protein forms H1027Q.
Identifiers: ClinVar variation 220572 (VCV000220572.9), dbSNP rs864622587, ClinGen allele CA349398.